The following is an entry in ClinVar:

ClinVar aggregate classification (germline): Conflicting classifications of pathogenicity. Review status: criteria provided, conflicting classifications (1 of 4 stars). 7 submissions from 7 submitters: Uncertain significance (4); Likely benign (1). 2 of the submissions do not count toward it. Last evaluated 2025-12-09.

Conditions:
Hereditary cancer-predisposing syndrome. Also called: Hereditary Cancer Syndrome; Hereditary neoplastic syndrome; Neoplastic Syndromes, Hereditary; Tumor predisposition. Identifiers: Orphanet 140162, MedGen C0027672, MeSH D009386, MONDO:0015356.
Breast-ovarian cancer, familial, susceptibility to, 1 (BROVCA1). Also called: BRCA1 Hereditary Breast and Ovarian Cancer; OVARIAN CANCER, SUSCEPTIBILITY TO. Identifiers: Orphanet 145, MedGen C2676676, MONDO:0011450, OMIM 604370. Disease mechanism: loss of function.
Hereditary breast ovarian cancer syndrome. Also called: BRCA1- and BRCA2-Associated Hereditary Breast and Ovarian Cancer; Hereditary breast and ovarian cancer syndrome; Hereditary breast and ovarian cancer syndrome (HBOC); Breast and ovarian cancer; Hereditary breast and/or ovarian cancer syndrome; Hereditary breast and ovarian cancer. Identifiers: Orphanet 145, MedGen C0677776, MeSH D061325, MONDO:0003582. Disease mechanism: loss of function.

Submissions (7):

Labcorp Genetics (formerly Invitae), Labcorp
Classification: Uncertain significance for Hereditary breast ovarian cancer syndrome. Last evaluated: 2025-12-09. Review status: criteria provided, single submitter. Criteria: Invitae Variant Classification Sherloc (09022015). Collection method: clinical testing. Allele origin: germline.
Comment: This sequence change replaces glycine, which is neutral and non-polar, with arginine, which is basic and polar, at codon 1205 of the BRCA1 protein (p.Gly1205Arg). This variant is not present in population databases (gnomAD no frequency). This missense change has been observed in individual(s) with breast and/or ovarian cancer (PMID: 12894890, 30254663, 30702160). ClinVar contains an entry for this variant (Variation ID: 54936). Invitae Evidence Modeling of protein sequence and biophysical properties (such as structural, functional, and spatial information, amino acid conservation, physicochemical variation, residue mobility, and thermodynamic stability) indicates that this missense variant is not expected to disrupt BRCA1 protein function with a negative predictive value of 80%. In summary, the available evidence is currently insufficient to determine the role of this variant in disease. Therefore, it has been classified as a Variant of Uncertain Significance.

Quest Diagnostics Nichols Institute San Juan Capistrano
Classification: Uncertain significance. Last evaluated: 2025-10-06. Review status: criteria provided, single submitter. Criteria: Quest Diagnostics criteria. Collection method: clinical testing. Allele origin: unknown.
Comment: The BRCA1 c.3613G>A (p.Gly1205Arg) variant has been reported in the published literature to be located in a region of the BRCA1 gene that is tolerant to missense sequence changes (PMID: 31911673 (2020)). This variant has not been reported in large, multi-ethnic general populations (Genome Aggregation Database). Analysis of this variant using bioinformatics tools for the prediction of the effect of amino acid changes on protein structure and function yielded predictions that this variant is damaging. Based on the available information, we are unable to determine the clinical significance of this variant.

Ambry Genetics
Classification: Uncertain significance for Hereditary cancer-predisposing syndrome. Last evaluated: 2024-07-31. Review status: criteria provided, single submitter. Criteria: Ambry Variant Classification Scheme 2023. Collection method: clinical testing. Allele origin: germline.
Comment: The p.G1205R variant (also known as c.3613G>A), located in coding exon 9 of the BRCA1 gene, results from a G to A substitution at nucleotide position 3613. The glycine at codon 1205 is replaced by arginine, an amino acid with dissimilar properties. This alteration was observed in 1 of 1045 Italian patients with breast and/or ovarian cancer fulfilling established criteria for HBOC genetic testing (Zuntini R et al. Front Genet, 2018 Oct;9:378). This amino acid position is not well conserved in available vertebrate species. In addition, the in silico prediction for this alteration is inconclusive. Based on the available evidence, the clinical significance of this variant remains unclear.

University of Washington Department of Laboratory Medicine, University of Washington
Classification: Likely benign for Hereditary cancer-predisposing syndrome. Last evaluated: 2023-03-23. Review status: criteria provided, single submitter. Criteria: Dines et al. (Genet Med. 2020). Collection method: curation. Allele origin: germline.
Comment: Missense variant in a coldspot region where missense variants are very unlikely to be pathogenic (PMID:31911673).

BRCA1 coldspot (exon 11 using historical exon numbering). Reclassification based on statistical prior probability

Color Diagnostics, LLC DBA Color Health
Classification: Uncertain significance for Hereditary cancer-predisposing syndrome. Last evaluated: 2020-11-23. Review status: criteria provided, single submitter. Criteria: ACMG Guidelines, 2015. Collection method: clinical testing. Allele origin: germline.
Comment: This missense variant replaces glycine with arginine at codon 1205 of the BRCA1 protein. Computational prediction suggests that this variant may not impact protein structure and function (internally defined REVEL score threshold <= 0.5, PMID: 27666373). To our knowledge, functional studies have not been reported for this variant. This variant has been reported in two individuals affected with breast and/or ovarian cancer (PMID: 30254663 and UMD database). This variant has not been identified in the general population by the Genome Aggregation Database (gnomAD). The available evidence is insufficient to determine the role of this variant in disease conclusively. Therefore, this variant is classified as a Variant of Uncertain Significance.

Department of Medical and Surgical Sciences, University of Bologna
Classification: Likely benign for Breast-ovarian cancer, familial, susceptibility to, 1. Last evaluated: 2023-09-01. Review status: no assertion criteria provided. Collection method: clinical testing. Allele origin: germline. Affected: yes. Not counted in ClinVar's aggregate classification.
Comment: PM2(Supporting)+BP1(Strong) according to ACMG/AMP classification guidelines specified for BRCA1 & BRCA2 (Classification Criteria V1.0.0 2023-09-08) (PMID: 38160042)

Breast Cancer Information Core (BIC) (BRCA1)
Classification: Uncertain significance for Breast-ovarian cancer, familial 1. Last evaluated: 1998-07-10. Review status: no assertion criteria provided. Collection method: clinical testing. Allele origin: germline. Affected: yes. Observed: 1 variant allele. Not counted in ClinVar's aggregate classification.

Literature cited by the submitters: PubMed 12894890 (cited by Labcorp Genetics (formerly Invitae), Labcorp); PubMed 30254663 (cited by Labcorp Genetics (formerly Invitae), Labcorp and Ambry Genetics); PubMed 30702160 (cited by Labcorp Genetics (formerly Invitae), Labcorp and Quest Diagnostics Nichols Institute San Juan Capistrano); PubMed 31911673 (cited by Quest Diagnostics Nichols Institute San Juan Capistrano).

NM_007294.4(BRCA1):c.3613G>A (p.Gly1205Arg)

Genes: BRCA1 (BRCA1 DNA repair associated; minus strand), LOC126862571 (BRD4-independent group 4 enhancer GRCh37_chr17:41243136-41244335; plus strand). Cytogenetic location: 17q21.31.
Variant type: single nucleotide variant.
Coding change: c.3613G>A on transcript NM_007294.4 (MANE Select); coding-DNA position 3613, G replaced by A.
Protein change: p.Gly1205Arg; replaces glycine 1205 with arginine.
Molecular consequence: missense variant. On other transcripts: intron variant (135).
Genome position (GRCh38, 1-based): chr17:43,091,918, C>T on the plus strand (G>A on the coding strand, the complement: BRCA1 is on the minus strand). VCF-style: chr17-43091918-C-T. GRCh37 (hg19) VCF-style: chr17-41243935-C-T.
Other names: c.3400G>A, p.Gly1134Arg (NM_001407571.1, NM_001407853.1, NM_001407894.1 and 9 more transcripts); c.3613G>A, p.Gly1205Arg (NM_001407581.1, NM_001407582.1, NM_001407602.1 and 30 more transcripts); c.3610G>A, p.Gly1204Arg (NM_001407610.1, NM_001407611.1, NM_001407612.1 and 22 more transcripts); c.3604G>A, p.Gly1202Arg (NM_001407646.1, NM_001407647.1); c.3490G>A, p.Gly1164Arg (NM_001407648.1, NM_001407664.1, NM_001407665.1 and 19 more transcripts); c.3487G>A, p.Gly1163Arg (NM_001407649.1, NM_001407670.1, NM_001407671.1 and 11 more transcripts); c.3535G>A, p.Gly1179Arg (NM_001407653.1, NM_001407654.1, NM_001407655.1 and 4 more transcripts); c.3532G>A, p.Gly1178Arg (NM_001407659.1, NM_001407660.1, NM_001407661.1 and 1 more transcripts); and 41 more; short protein forms G1205R, G1158R, G1037R, G1078R, G1135R, G1163R, G1077R, G1094R.
Identifiers: ClinVar variation 54936 (VCV000054936.17), dbSNP rs80357294, ClinGen allele CA002308.
Genomic context (GRCh38, chr17:43,091,918, plus strand): 5'-AGGGAAGCTCTTCATCCTCACTAGATAAGTTCTCTTCTGAGGACTCTAATTTCTTGGCCC[C>T]TCTTCGGTAACCCTGAGCCAAATGTGTATGGGTGAAAGGGCTAGGACTCCTGCTAAGCTC-3'
Protein context (NP_009225.1, residues 1195-1215): HTHLAQGYRR[Gly1205Arg]AKKLESSEEN